The following is an entry in ClinVar:

ClinVar aggregate classification (germline): Likely benign. Review status: criteria provided, single submitter (1 of 4 stars). 2 submissions from 2 submitters: Likely benign (1). 1 of the submissions does not count toward it. Last evaluated 2025-09-17.

Conditions:
DBH-related disorder. Also called: DBH-related condition.
Orthostatic hypotension 1 (ORTHYP1). Also called: Dopamine beta-hydroxylase deficiency; NORADRENALINE DEFICIENCY; NOREPINEPHRINE DEFICIENCY; Orthostatic hypotension 1, due to DBH deficiency. Identifiers: Orphanet 230, MedGen C4746777, MONDO:0009123, OMIM 223360.

Allele frequency attached by ClinVar (database versions not stated): gnomAD exomes 0.00007 and 0.00038; gnomAD 0.00009 and 0.00010; TOPMed 0.00017; ExAC 0.00029; 1000 Genomes Project 0.00060; 1000 Genomes Project 30x 0.00062.

Submissions (2):

Labcorp Genetics (formerly Invitae), Labcorp
Classification: Likely benign for Orthostatic hypotension 1. Last evaluated: 2025-09-17. Review status: criteria provided, single submitter. Criteria: Invitae Variant Classification Sherloc (09022015). Collection method: clinical testing. Allele origin: germline.

PreventionGenetics, part of Exact Sciences
Classification: Likely benign for DBH-related condition. Last evaluated: 2022-01-24. Review status: no assertion criteria provided. Collection method: clinical testing. Allele origin: germline. Not counted in ClinVar's aggregate classification.
Comment: This variant is classified as likely benign based on ACMG/AMP sequence variant interpretation guidelines (Richards et al. 2015 PMID: 25741868, with internal and published modifications).

NM_000787.4(DBH):c.985C>T (p.Arg329Cys)

Gene: DBH (dopamine beta-hydroxylase; plus strand). Cytogenetic location: 9q34.2.
Variant type: single nucleotide variant.
Coding change: c.985C>T on transcript NM_000787.4 (MANE Select); coding-DNA position 985, C replaced by T.
Protein change: p.Arg329Cys; replaces arginine 329 with cysteine.
Molecular consequence: missense variant.
Genome position (GRCh38, 1-based): chr9:133,644,281, C>T. VCF-style: chr9-133644281-C-T. GRCh37 (hg19) VCF-style: chr9-136509403-C-T.
Other names: short protein forms R329C.
Identifiers: ClinVar variation 773786 (VCV000773786.10), dbSNP rs201128036, ClinGen allele CA5313260.
Genomic context (GRCh38, chr9:133,644,281, plus strand): 5'-TTTTACTACCCAGAGGAAGCCGGCCTTGCCTTCGGGGGTCCAGGGTCCTCCAGATATCTC[C>T]GCCTGGAAGTTCACTACCACAACCCACTGGTGATAGAAGGTAGGCGGCTCTGCTGCCATC-3'
Protein context (NP_000778.3, residues 319-339): FGGPGSSRYL[Arg329Cys]LEVHYHNPLV